The following is an entry in ClinVar:

NM_005431.2(XRCC2):c.218G>C (p.Gly73Ala)

Gene: XRCC2 (X-ray repair cross complementing 2; minus strand). Cytogenetic location: 7q36.1.
Variant type: single nucleotide variant.
Coding change: c.218G>C on transcript NM_005431.2 (MANE Select); coding-DNA position 218, G replaced by C.
Protein change: p.Gly73Ala; replaces glycine 73 with alanine.
Molecular consequence: missense variant.
Genome position (GRCh38, 1-based): chr7:152,649,267, C>G on the plus strand (G>C on the coding strand, the complement: XRCC2 is on the minus strand). VCF-style: chr7-152649267-C-G. GRCh37 (hg19) VCF-style: chr7-152346352-C-G.
Other names: short protein forms G73A.
Identifiers: ClinVar variation 654159 (VCV000654159.10), dbSNP rs1590129758, ClinGen allele CA370199174.

ClinVar aggregate classification (germline): Uncertain significance. Review status: criteria provided, multiple submitters, no conflicts (2 of 4 stars). 2 submissions from 2 submitters: Uncertain significance (2). Last evaluated 2026-06-01.

Submissions (2):

CeGaT Center for Human Genetics Tuebingen
Classification: Uncertain significance. Last evaluated: 2026-06-01. Review status: criteria provided, single submitter. Criteria: CeGaT Center For Human Genetics Tuebingen Variant Classification Criteria Version 2. Collection method: clinical testing. Allele origin: germline. Affected: yes. Observed: 1 variant allele.
Comment: XRCC2: PM2

Labcorp Genetics (formerly Invitae), Labcorp
Classification: Uncertain significance. Last evaluated: 2020-06-20. Review status: criteria provided, single submitter. Criteria: Invitae Variant Classification Sherloc (09022015). Collection method: clinical testing. Allele origin: germline.
Comment: This variant has not been reported in the literature in individuals with XRCC2-related disease. In summary, the available evidence is currently insufficient to determine the role of this variant in disease. Therefore, it has been classified as a Variant of Uncertain Significance. Algorithms developed to predict the effect of missense changes on protein structure and function (SIFT, PolyPhen-2, Align-GVGD) all suggest that this variant is likely to be disruptive, but these predictions have not been confirmed by published functional studies and their clinical significance is uncertain. This variant is not present in population databases (ExAC no frequency). This sequence change replaces glycine with alanine at codon 73 of the XRCC2 protein (p.Gly73Ala). The glycine residue is highly conserved and there is a small physicochemical difference between glycine and alanine.